The following is an entry in ClinVar:

NM_001127198.5(TMC6):c.341G>A (p.Arg114Gln)

Gene: TMC6 (transmembrane channel like 6; minus strand). Cytogenetic location: 17q25.3.
Variant type: single nucleotide variant.
Coding change: c.341G>A on transcript NM_001127198.5 (MANE Select); coding-DNA position 341, G replaced by A.
Protein change: p.Arg114Gln; replaces arginine 114 with glutamine.
Molecular consequence: missense variant.
Genome position (GRCh38, 1-based): chr17:78,125,815, C>T on the plus strand (G>A on the coding strand, the complement: TMC6 is on the minus strand). VCF-style: chr17-78125815-C-T. GRCh37 (hg19) VCF-style: chr17-76121896-C-T.
Other names: c.341G>A, p.Arg114Gln (NM_001321185.1, NM_001374593.1, NM_001374594.1 and 4 more transcripts); short protein forms R114Q.
Identifiers: ClinVar variation 999970 (VCV000999970.8), dbSNP rs538278051, ClinGen allele CA294356288.

ClinVar aggregate classification (germline): Uncertain significance (1 of 4 stars; one submission).

Conditions:
Epidermodysplasia verruciformis. Identifiers: Orphanet 302, MedGen C0014522, MONDO:0009176.

Allele frequency attached by ClinVar (database versions not stated): gnomAD exomes 0.00001; gnomAD 0.00001; TOPMed below 0.00001.
gnomAD v4.1: 10 of 1,556,882 alleles (0.00064%); highest among the groups gnomAD compares: African/African-American, 0.0027%; no homozygotes.

Submission:

Labcorp Genetics (formerly Invitae), Labcorp
Classification: Uncertain significance for Epidermodysplasia verruciformis. Last evaluated: 2022-07-06. Review status: criteria provided, single submitter. Criteria: Invitae Variant Classification Sherloc (09022015). Collection method: clinical testing. Allele origin: germline.
Comment: The frequency data for this variant in the population databases is considered unreliable, as metrics indicate poor data quality at this position in the gnomAD database. This sequence change replaces arginine, which is basic and polar, with glutamine, which is neutral and polar, at codon 114 of the TMC6 protein (p.Arg114Gln). This variant has not been reported in the literature in individuals affected with TMC6-related conditions. ClinVar contains an entry for this variant (Variation ID: 999970). Algorithms developed to predict the effect of missense changes on protein structure and function are either unavailable or do not agree on the potential impact of this missense change (SIFT: "Not Available"; PolyPhen-2: "Probably Damaging"; Align-GVGD: "Not Available"). In summary, the available evidence is currently insufficient to determine the role of this variant in disease. Therefore, it has been classified as a Variant of Uncertain Significance.